The following is an entry in ClinVar:

ClinVar aggregate classification (germline): Uncertain significance (1 of 4 stars; one submission).

Allele frequency attached by ClinVar (database versions not stated): gnomAD exomes 0.00001.
gnomAD v4.1: 17 of 1,614,164 alleles (0.0011%); highest among the groups gnomAD compares: Non-Finnish European, 0.0014%; no homozygotes.

Submission:

Labcorp Genetics (formerly Invitae), Labcorp
Classification: Uncertain significance. Last evaluated: 2021-04-10. Review status: criteria provided, single submitter. Criteria: Invitae Variant Classification Sherloc (09022015). Collection method: clinical testing. Allele origin: germline.
Comment: In summary, the available evidence is currently insufficient to determine the role of this variant in disease. Therefore, it has been classified as a Variant of Uncertain Significance. Algorithms developed to predict the effect of missense changes on protein structure and function (SIFT, PolyPhen-2, Align-GVGD) all suggest that this variant is likely to be disruptive, but these predictions have not been confirmed by published functional studies and their clinical significance is uncertain. This variant has not been reported in the literature in individuals with GHSR-related conditions. This variant is not present in population databases (ExAC no frequency). This sequence change replaces proline with alanine at codon 224 of the GHSR protein (p.Pro224Ala). The proline residue is highly conserved and there is a small physicochemical difference between proline and alanine.

NM_198407.2(GHSR):c.670C>G (p.Pro224Ala)

Gene: GHSR (growth hormone secretagogue receptor; minus strand). Cytogenetic location: 3q26.31.
Variant type: single nucleotide variant.
Coding change: c.670C>G on transcript NM_198407.2 (MANE Select); coding-DNA position 670, C replaced by G.
Protein change: p.Pro224Ala; replaces proline 224 with alanine.
Molecular consequence: missense variant.
Genome position (GRCh38, 1-based): chr3:172,447,744, G>C on the plus strand (C>G on the coding strand, the complement: GHSR is on the minus strand). VCF-style: chr3-172447744-G-C. GRCh37 (hg19) VCF-style: chr3-172165534-G-C.
Other names: c.670C>G, p.Pro224Ala (NM_004122.2); short protein forms P224A.
Identifiers: ClinVar variation 1367445 (VCV001367445.8), dbSNP rs2108426201, ClinGen allele CA355513918.